The following is an entry in ClinVar:

NM_000520.6(HEXA):c.1543C>T (p.Gln515Ter)

Gene: HEXA (hexosaminidase subunit alpha; minus strand). Cytogenetic location: 15q23.
Variant type: single nucleotide variant.
Coding change: c.1543C>T on transcript NM_000520.6 (MANE Select); coding-DNA position 1543, C replaced by T.
Protein change: p.Gln515Ter; replaces glutamine 515 with a stop codon.
Molecular consequence: nonsense.
Genome position (GRCh38, 1-based): chr15:72,344,124, G>A on the plus strand (C>T on the coding strand, the complement: HEXA is on the minus strand). VCF-style: chr15-72344124-G-A. GRCh37 (hg19) VCF-style: chr15-72636465-G-A.
Other names: c.1543C>T (NM_000520.5); c.1576C>T, p.Gln526Ter (NM_001318825.2); short protein forms Q515*, Q526*.
Identifiers: ClinVar variation 3646441 (VCV003646441.3).

ClinVar aggregate classification (germline): Pathogenic/Likely pathogenic. Review status: criteria provided, multiple submitters, no conflicts (2 of 4 stars). 2 submissions from 2 submitters: Pathogenic (1); Likely pathogenic (1). Last evaluated 2024-11-08.

Conditions:
Tay-Sachs disease (TSD). Also called: HEXA DEFICIENCY; GM2 gangliosidosis, type 1; Hexosaminidase alpha-subunit deficiency (variant B); Sphingolipidosis, Tay-Sachs; Hexosaminidase A Deficiency; HEXA Disorders. Identifiers: Orphanet 845, MedGen C0039373, MONDO:0010100, OMIM 272800.

Submissions (2):

Natera, Inc.
Classification: Likely pathogenic for Tay-Sachs disease. Last evaluated: 2024-11-08. Review status: criteria provided, single submitter. Criteria: Natera Variant Classification Schema (03/2026). Collection method: clinical testing. Allele origin: germline.
Comment: The c.1543C>T variant in HEXA is a nonsense variant predicted to introduce a stop codon at amino acid 515. This variant is expected to result in nonsense mediated decay, truncation, or a dysfunctional protein product. This variant is rare in the general population with a frequency below the threshold expected for the associated phenotype(s). Given the available evidence, this variant is classified as Likely Pathogenic.

Labcorp Genetics (formerly Invitae), Labcorp
Classification: Pathogenic for Tay-Sachs disease. Last evaluated: 2024-03-17. Review status: criteria provided, single submitter. Criteria: Invitae Variant Classification Sherloc (09022015). Collection method: clinical testing. Allele origin: germline.
Comment: This sequence change creates a premature translational stop signal (p.Gln515*) in the HEXA gene. While this is not anticipated to result in nonsense mediated decay, it is expected to disrupt the last 15 amino acid(s) of the HEXA protein. This variant is not present in population databases (gnomAD no frequency). This variant has not been reported in the literature in individuals affected with HEXA-related conditions. This variant disrupts a region of the HEXA protein in which other variant(s) (p.Phe521Leu) have been determined to be pathogenic (PMID: 25860343). This suggests that this is a clinically significant region of the protein, and that variants that disrupt it are likely to be disease-causing. For these reasons, this variant has been classified as Pathogenic.

Literature cited by the submitters: PubMed 25860343 (cited by Labcorp Genetics (formerly Invitae), Labcorp).